The following is an entry in ClinVar:

ClinVar aggregate classification (germline): Pathogenic. Review status: criteria provided, multiple submitters, no conflicts (2 of 4 stars). 4 submissions from 4 submitters: Pathogenic (4). Last evaluated 2024-07-03.

Conditions:
Inborn genetic diseases. Identifiers: MedGen C0950123, MeSH D030342.
Coffin-Siris syndrome. Identifiers: Orphanet 1465, MedGen C0265338, MONDO:0015452.
Coffin-Siris syndrome 1 (CSS1). Also called: Mental retardation, autosomal dominant 12; ARID1B-Related Coffin-Siris Syndrome. Identifiers: Orphanet 1465, MedGen C3281201, MONDO:0007617, OMIM 135900. Disease mechanism: gain of function.

Submissions (4):

GeneDx
Classification: Pathogenic. Last evaluated: 2024-07-03. Review status: criteria provided, single submitter. Criteria: GeneDx Variant Classification Process June 2021. Collection method: clinical testing. Allele origin: germline. Affected: yes.
Comment: Nonsense variant predicted to result in protein truncation or nonsense mediated decay in a gene for which loss of function is a known mechanism of disease; Not observed at significant frequency in large population cohorts (gnomAD); Has not been previously published as pathogenic or benign to our knowledge

Ambry Genetics
Classification: Pathogenic for Inborn genetic diseases. Last evaluated: 2024-05-17. Review status: criteria provided, single submitter. Criteria: Ambry Variant Classification Scheme 2023. Collection method: clinical testing. Allele origin: germline.
Comment: The c.3535C>T (p.Q1179*) alteration, located in exon 13 (coding exon 13) of the ARID1B gene, consists of a C to T substitution at nucleotide position 3535. This changes the amino acid from a glutamine (Q) to a stop codon at amino acid position 1179. This alteration is expected to result in loss of function by premature protein truncation or nonsense-mediated mRNA decay. This variant was not reported in population-based cohorts in the Genome Aggregation Database (gnomAD). Based on the available evidence, this alteration is classified as pathogenic.

Genome-Nilou Lab
Classification: Pathogenic for Coffin-Siris syndrome 1. Last evaluated: 2021-07-15. Review status: criteria provided, single submitter. Criteria: ACMG Guidelines, 2015. Collection method: clinical testing. Allele origin: germline. Affected: no.

Institute of Medical Genetics and Applied Genomics, University Hospital Tübingen
Classification: Pathogenic. Last evaluated: 2020-10-23. Review status: criteria provided, single submitter. Criteria: ACMG Guidelines, 2015. Collection method: clinical testing. Allele origin: germline. Inheritance: Unknown mechanism. Affected: yes.

NM_001374828.1(ARID1B):c.3904C>T (p.Gln1302Ter)

Gene: ARID1B (AT-rich interaction domain 1B; plus strand). Cytogenetic location: 6q25.3.
Variant type: single nucleotide variant.
Coding change: c.3904C>T on transcript NM_001374828.1 (MANE Select); coding-DNA position 3904, C replaced by T.
Protein change: p.Gln1302Ter; replaces glutamine 1302 with a stop codon.
Molecular consequence: nonsense.
Genome position (GRCh38, 1-based): chr6:157,184,420, C>T. VCF-style: chr6-157184420-C-T. GRCh37 (hg19) VCF-style: chr6-157505554-C-T.
Other names: c.3535C>T, p.Gln1179Ter (NM_020732.3); c.1405C>T, p.Gln469Ter (NM_001363725.2); c.3784C>T, p.Gln1262Ter (NM_001371656.1, NM_001374820.1); c.3745C>T, p.Gln1249Ter (NM_017519.3); short protein forms Q1179*, Q469*, Q1249*, Q1262*, Q1302*.
Identifiers: ClinVar variation 620170 (VCV000620170.9), dbSNP rs1554231904, ClinGen allele CA366230809.